The following is an entry in ClinVar:

NM_153741.2(DPM3):c.21G>C (p.Trp7Cys)

Gene: DPM3 (dolichyl-phosphate mannosyltransferase subunit 3, regulatory; minus strand). Cytogenetic location: 1q22.
Variant type: single nucleotide variant.
Coding change: c.21G>C on transcript NM_153741.2 (MANE Select); coding-DNA position 21, G replaced by C.
Protein change: p.Trp7Cys; replaces tryptophan 7 with cysteine.
Molecular consequence: missense variant.
Genome position (GRCh38, 1-based): chr1:155,140,220, C>G on the plus strand (G>C on the coding strand, the complement: DPM3 is on the minus strand). VCF-style: chr1-155140220-C-G. GRCh37 (hg19) VCF-style: chr1-155112696-C-G.
Other names: c.111G>C, p.Trp37Cys (NM_018973.4); short protein forms W37C, W7C.
Identifiers: ClinVar variation 2788399 (VCV002788399.3), dbSNP rs1444066075, ClinGen allele CA342665008.
Genomic context (GRCh38, chr1:155,140,220, plus strand): 5'-GCCCAAGGCTCCCGTGGTCAGGGCCACCCAGGTGGAGCCCAGGATCGCTAGTCCCCAAAG[C>G]CACTGCGCTAATTTCGTCATGGTCACTGCGAGAGAAGGAAGCAATGCTCCCCTGAGGAGC-3'
Protein context (NP_714963.1, residues 1-17): MTKLAQ[Trp7Cys]LWGLAILGST

ClinVar aggregate classification (germline): Uncertain significance (1 of 4 stars; one submission).

Conditions:
DPM3-congenital disorder of glycosylation (MDDGC15). Also called: CDG Io; CDG1(DPM3); DPM3-CDG; MUSCULAR DYSTROPHY-DYSTROGLYCANOPATHY (LIMB-GIRDLE), TYPE C, 15. Identifiers: Orphanet 263494, MedGen C2752007, MONDO:0013049, OMIM 612937.

gnomAD v4.1: 4 of 1,614,116 alleles (0.00025%); highest among the groups gnomAD compares: East Asian, 0.0089%; no homozygotes.

Submission:

Labcorp Genetics (formerly Invitae), Labcorp
Classification: Uncertain significance for DPM3-congenital disorder of glycosylation. Last evaluated: 2024-10-24. Review status: criteria provided, single submitter. Criteria: Invitae Variant Classification Sherloc (09022015). Collection method: clinical testing. Allele origin: germline.
Comment: This sequence change replaces tryptophan, which is neutral and slightly polar, with cysteine, which is neutral and slightly polar, at codon 7 of the DPM3 protein (p.Trp7Cys). This variant is not present in population databases (gnomAD no frequency). This variant has not been reported in the literature in individuals affected with DPM3-related conditions. An algorithm developed to predict the effect of missense changes on protein structure and function (PolyPhen-2) suggests that this variant is likely to be disruptive. In summary, the available evidence is currently insufficient to determine the role of this variant in disease. Therefore, it has been classified as a Variant of Uncertain Significance.